The following is an entry in ClinVar:

ClinVar aggregate classification (germline): Pathogenic (1 of 4 stars; one submission).

Conditions:
Inborn genetic diseases. Identifiers: MedGen C0950123, MeSH D030342.

Submission:

Ambry Genetics
Classification: Pathogenic for Inborn genetic diseases. Last evaluated: 2017-12-18. Review status: criteria provided, single submitter. Criteria: Ambry Variant Classification Scheme 2023. Collection method: clinical testing. Allele origin: germline.
Comment: The c.641_645dupAGCCG pathogenic mutation, located in coding exon 1 of the PURA gene, results from a duplication of AGCCG at nucleotide position 641, causing a translational frameshift with a predicted alternate stop codon (p.A216Sfs*11). This alteration is expected to result in loss of function by premature protein truncation. As such, this alteration is interpreted as a disease-causing mutation.

NM_005859.5(PURA):c.641_645dup (p.Ala216fs)

Gene: PURA (purine rich element binding protein A; plus strand). Cytogenetic location: 5q31.3.
Variant type: Duplication.
Coding change: c.641_645dup on transcript NM_005859.5 (MANE Select); coding-DNA positions 641 to 645, 5 bases duplicated (AGCCG; older notation c.641_645dupAGCCG).
Protein change: p.Ala216fs; shifts the reading frame from alanine 216.
Molecular consequence: frameshift variant.
Genome position (GRCh38, 1-based): chr5:140,114,822-140,114,826, AGCCG duplicated; duplicating any 5 consecutive bases within chr5:140,114,821-140,114,826 gives the same sequence; the c. name uses the placement nearest the transcript's 3' end. VCF-style (leftmost placement, unchanged base first): chr5-140114820-G-GGAGCC. GRCh37 (hg19) VCF-style: chr5-139494405-G-GGAGCC.
Other names: short protein forms A216fs.
Identifiers: ClinVar variation 985079 (VCV000985079.3), dbSNP rs1763052510, ClinGen allele CA1139659104.